The following is an entry in ClinVar:

NM_000540.3(RYR1):c.4294-4C>T

Gene: RYR1 (ryanodine receptor 1; plus strand). Cytogenetic location: 19q13.2.
Variant type: single nucleotide variant.
Coding change: c.4294-4C>T on transcript NM_000540.3 (MANE Select); 4 bases into the intron before coding-DNA position 4294, C replaced by T.
Molecular consequence: intron variant.
Genome position (GRCh38, 1-based): chr19:38,477,706, C>T. VCF-style: chr19-38477706-C-T. GRCh37 (hg19) VCF-style: chr19-38968346-C-T.
Other names: c.4294-4C>T (NM_001042723.2).
Identifiers: ClinVar variation 256506 (VCV000256506.63), dbSNP rs368108496, ClinGen allele CA065904.
Genomic context (GRCh38, chr19:38,477,706, plus strand): 5'-GTCCCAGGGAGCCCGAGTCCCTGACTTCCAGACTGACCACTAGTTCCCCTCCTTGTGTCA[C>T]CAGTACTATTACTCCGTGAGGGTCTTTGCTGGACAGGAGCCCAGCTGCGTGTGGGCGGGC-3'

ClinVar aggregate classification (germline): Likely benign. Review status: criteria provided, multiple submitters, no conflicts (2 of 4 stars). 7 submissions from 7 submitters: Likely benign (7). Last evaluated 2026-05-05.

Conditions:
RYR1-related disorder. Also called: RYR1-related disorders; RYR1-related condition. Identifiers: MedGen CN239331.
Malignant hyperthermia, susceptibility to, 1 (MHS1). Also called: Anesthesia related hyperthermia; Malignant hyperpyrexia; Fulminating hyperpyrexia; Pharmacogenic myopathy; RYR1-Related Malignant Hyperthermia Susceptibility; Malignant hyperthermia suceptibility 1. Identifiers: Orphanet 423, MedGen C2930980, MONDO:0007783, OMIM 145600.

Allele frequency attached by ClinVar (database versions not stated): TOPMed 0.00014; gnomAD 0.00017 and 0.00018; gnomAD exomes 0.00028 and 0.00029; ESP Exome Variant Server 0.00031; ExAC 0.00036.
gnomAD v4.1: 444 of 1,614,010 alleles (0.028%); highest among the groups gnomAD compares: South Asian, 0.036%; no homozygotes.

Submissions (7):

Women's Health and Genetics/Laboratory Corporation of America, LabCorp
Classification: Likely benign. Last evaluated: 2026-05-05. Review status: criteria provided, single submitter. Criteria: LabCorp Variant Classification Summary - May 2015. Collection method: clinical testing. Allele origin: germline.
Comment: Variant summary: RYR1 c.4294-4C>T alters a nucleotide located at a position not widely known to affect splicing. Consensus agreement among computation tools predict no significant impact on normal splicing. However, these predictions have yet to be confirmed by functional studies. The variant allele was found at a frequency of 0.00029 in 251398 control chromosomes. This frequency is not significantly higher than estimated for disease-causing variants in RYR1, allowing no conclusion about variant significance. c.4294-4C>T has been observed in individual(s) affected with an RYR1-related myopathy without reported genotype (e.g. Klein_2012). These report(s) do not provide unequivocal conclusions about association of the variant with Congenital multicore myopathy with external ophthalmoplegia. To our knowledge, no experimental evidence demonstrating an impact on protein function has been reported. The following publication has been ascertained in the context of this evaluation (PMID: 22473935). ClinVar contains an entry for this variant (Variation ID: 256506). Based on the evidence outlined above, the variant was classified as likely benign.

Labcorp Genetics (formerly Invitae), Labcorp
Classification: Likely benign for RYR1-related disorder. Last evaluated: 2026-01-14. Review status: criteria provided, single submitter. Criteria: Invitae Variant Classification Sherloc (09022015). Collection method: clinical testing. Allele origin: germline.

Blueprint Genetics
Classification: Likely benign. Last evaluated: 2024-09-25. Review status: criteria provided, single submitter. Criteria: ACMG Guidelines, 2015. Collection method: clinical testing. Allele origin: germline.

CeGaT Center for Human Genetics Tuebingen
Classification: Likely benign. Last evaluated: 2024-07-01. Review status: criteria provided, single submitter. Criteria: CeGaT Center For Human Genetics Tuebingen Variant Classification Criteria Version 2. Collection method: clinical testing. Allele origin: germline. Affected: yes. Observed: 6 variant alleles.
Comment: RYR1: BP4

Color Diagnostics, LLC DBA Color Health
Classification: Likely benign for Malignant hyperthermia, susceptibility to, 1. Last evaluated: 2022-11-08. Review status: criteria provided, single submitter. Criteria: ACMG Guidelines, 2015. Collection method: clinical testing. Allele origin: germline.

GeneDx
Classification: Likely benign. Last evaluated: 2016-03-21. Review status: criteria provided, single submitter. Criteria: GeneDx Variant Classification (06012015). Collection method: clinical testing. Allele origin: germline. Affected: yes.
Comment: This variant is considered likely benign or benign based on one or more of the following criteria: it is a conservative change, it occurs at a poorly conserved position in the protein, it is predicted to be benign by multiple in silico algorithms, and/or has population frequency not consistent with disease.

PreventionGenetics, part of Exact Sciences
Classification: Likely benign. Review status: criteria provided, single submitter. Criteria: ACMG Guidelines, 2015. Collection method: clinical testing. Allele origin: germline.

Literature cited by the submitters: PubMed 22473935 (cited by Women's Health and Genetics/Laboratory Corporation of America, LabCorp).